The following is an entry in ClinVar:

ClinVar aggregate classification (germline): Uncertain significance (1 of 4 stars; one submission).

Conditions:
Hereditary cancer-predisposing syndrome. Also called: Hereditary Cancer Syndrome; Neoplastic Syndromes, Hereditary; Tumor predisposition; Hereditary neoplastic syndrome. Identifiers: Orphanet 140162, MedGen C0027672, MeSH D009386, MONDO:0015356.

Submission:

Ambry Genetics
Classification: Uncertain significance for Hereditary cancer-predisposing syndrome. Last evaluated: 2026-07-13. Review status: criteria provided, single submitter. Criteria: Ambry Variant Classification Scheme 2023. Collection method: clinical testing. Allele origin: germline.
Comment: The p.P764L variant (also known as c.2291C>T), located in coding exon 14 of the DICER1 gene, results from a C to T substitution at nucleotide position 2291. The proline at codon 764 is replaced by leucine, an amino acid with similar properties. This amino acid position is conserved. In addition, the in silico prediction for this alteration is inconclusive. Based on the available evidence, the clinical significance of this variant remains unclear.

NM_177438.3(DICER1):c.2291C>T (p.Pro764Leu)

Gene: DICER1 (dicer 1, ribonuclease III; minus strand). Cytogenetic location: 14q32.13.
Variant type: single nucleotide variant.
Coding change: c.2291C>T on transcript NM_177438.3 (MANE Select); coding-DNA position 2291, C replaced by T.
Protein change: p.Pro764Leu; replaces proline 764 with leucine.
Molecular consequence: missense variant. On other transcripts: non-coding transcript variant (6).
Genome position (GRCh38, 1-based): chr14:95,108,469, G>A on the plus strand (C>T on the coding strand, the complement: DICER1 is on the minus strand). VCF-style: chr14-95108469-G-A. GRCh37 (hg19) VCF-style: chr14-95574806-G-A.
Other names: c.2291C>T, p.Pro764Leu (NM_001395684.1, NM_001395692.1, NM_001395693.1 and 12 more transcripts); c.2009C>T, p.Pro670Leu (NM_001395686.1); c.1886C>T, p.Pro629Leu (NM_001395687.1, NM_001395688.1, NM_001395689.1 and 2 more transcripts); c.1724C>T, p.Pro575Leu (NM_001395691.1); c.608C>T, p.Pro203Leu (NM_001395697.1); short protein forms P203L, P629L, P575L, P670L, P764L.
Identifiers: ClinVar variation 5035291 (VCV005035291.1).